The following is an entry in ClinVar:

NM_000748.3(CHRNB2):c.1073G>C (p.Arg358Pro)

Gene: CHRNB2 (cholinergic receptor nicotinic beta 2 subunit; plus strand). Cytogenetic location: 1q21.3.
Variant type: single nucleotide variant.
Coding change: c.1073G>C on transcript NM_000748.3 (MANE Select); coding-DNA position 1073, G replaced by C.
Protein change: p.Arg358Pro; replaces arginine 358 with proline.
Molecular consequence: missense variant.
Genome position (GRCh38, 1-based): chr1:154,571,896, G>C. VCF-style: chr1-154571896-G-C. GRCh37 (hg19) VCF-style: chr1-154544372-G-C.
Other names: short protein forms R358P.
Identifiers: ClinVar variation 2796833 (VCV002796833.3), dbSNP rs770156397, ClinGen allele CA342631432.

ClinVar aggregate classification (germline): Uncertain significance (1 of 4 stars; one submission).

Conditions:
Familial sleep-related hypermotor epilepsy. Also called: Autosomal Dominant Sleep-Related Hypermotor (Hyperkinetic) Epilepsy. Identifiers: Orphanet 98784, MedGen C3696898, MONDO:0000030.

Submission:

Labcorp Genetics (formerly Invitae), Labcorp
Classification: Uncertain significance. Last evaluated: 2023-12-14. Review status: criteria provided, single submitter. Criteria: Invitae Variant Classification Sherloc (09022015). Collection method: clinical testing. Allele origin: germline.
Comment: This sequence change replaces arginine, which is basic and polar, with proline, which is neutral and non-polar, at codon 358 of the CHRNB2 protein (p.Arg358Pro). This variant is not present in population databases (gnomAD no frequency). This variant has not been reported in the literature in individuals affected with CHRNB2-related conditions. Advanced modeling of protein sequence and biophysical properties (such as structural, functional, and spatial information, amino acid conservation, physicochemical variation, residue mobility, and thermodynamic stability) performed at Invitae indicates that this missense variant is not expected to disrupt CHRNB2 protein function with a negative predictive value of 80%. In summary, the available evidence is currently insufficient to determine the role of this variant in disease. Therefore, it has been classified as a Variant of Uncertain Significance.